The following is an entry in ClinVar:

ClinVar aggregate classification (germline): Likely pathogenic (1 of 4 stars; one submission).

Conditions:
AICA-ribosiduria. Also called: AICA-ribosiduria due to ATIC deficiency; ATIC DEFICIENCY. Identifiers: Orphanet 250977, MedGen C1837530, MONDO:0012099, OMIM 608688.

gnomAD v4.1: 5 of 1,612,664 alleles (0.00031%); highest among the groups gnomAD compares: East Asian, 0.0022%; no homozygotes.

Submission:

Juno Genomics, Hangzhou Juno Genomics, Inc
Classification: Likely pathogenic for AICA-ribosiduria. Review status: criteria provided, single submitter. Criteria: ACMG Guidelines, 2015. Collection method: clinical testing. Allele origin: germline. Affected: yes.
Comment: Absent from controls (or at extremely low frequency if recessive) in Genome Aggregation Database, Exome Sequencing Project, 1000 Genomes Project, or Exome Aggregation Consortium.;Multiple lines of computational evidence support a deleterious effect on the gene or gene product (conservation, evolutionary, splicing impact, etc).;For recessive disorders, detected in trans with a pathogenic variant.;Co-segregation with disease in multiple affected family members in a gene definitively known to cause the disease.;Patient's phenotype or family history is highly specific for a disease with a single genetic etiology.

NM_004044.7(ATIC):c.371T>C (p.Ile124Thr)

Gene: ATIC (5-aminoimidazole-4-carboxamide ribonucleotide formyltransferase/IMP cyclohydrolase; plus strand). Cytogenetic location: 2q35.
Variant type: single nucleotide variant.
Coding change: c.371T>C on transcript NM_004044.7 (MANE Select); coding-DNA position 371, T replaced by C.
Protein change: p.Ile124Thr; replaces isoleucine 124 with threonine.
Molecular consequence: missense variant.
Genome position (GRCh38, 1-based): chr2:215,325,321, T>C. VCF-style: chr2-215325321-T-C. GRCh37 (hg19) VCF-style: chr2-216190044-T-C.
Other names: short protein forms I124T.
Identifiers: ClinVar variation 4796628 (VCV004796628.1).